The following is an entry in ClinVar:

ClinVar aggregate classification (germline): Conflicting classifications of pathogenicity. Review status: criteria provided, conflicting classifications (1 of 4 stars). 3 submissions from 3 submitters: Uncertain significance (2); Likely benign (1). Last evaluated 2025-05-28.

Conditions:
Hereditary cancer-predisposing syndrome. Also called: Neoplastic Syndromes, Hereditary; Tumor predisposition; Hereditary Cancer Syndrome; Hereditary neoplastic syndrome. Identifiers: Orphanet 140162, MedGen C0027672, MeSH D009386, MONDO:0015356.
Oligodontia-cancer predisposition syndrome. Also called: TOOTH AGENESIS-COLORECTAL CANCER SYNDROME. Identifiers: Orphanet 300576, MedGen C1837750, MONDO:0012075, OMIM 608615. Disease mechanism: loss of function.

Allele frequency attached by ClinVar (database versions not stated): gnomAD exomes 0.00001; TOPMed 0.00001.
gnomAD v4.1: 3 of 1,614,020 alleles (0.00019%); highest among the groups gnomAD compares: South Asian, 0.0011%; no homozygotes.

Submissions (3):

Labcorp Genetics (formerly Invitae), Labcorp
Classification: Likely benign for Oligodontia-cancer predisposition syndrome. Last evaluated: 2025-05-28. Review status: criteria provided, single submitter. Criteria: Invitae Variant Classification Sherloc (09022015). Collection method: clinical testing. Allele origin: germline.

GeneDx
Classification: Uncertain significance. Last evaluated: 2024-03-06. Review status: criteria provided, single submitter. Criteria: GeneDx Variant Classification Process June 2021. Collection method: clinical testing. Allele origin: germline. Affected: yes.
Comment: Not observed at significant frequency in large population cohorts (gnomAD); In silico analysis supports that this variant does not alter splicing; Has not been previously published as pathogenic or benign to our knowledge

Ambry Genetics
Classification: Uncertain significance for Hereditary cancer-predisposing syndrome. Last evaluated: 2024-01-24. Review status: criteria provided, single submitter. Criteria: Ambry Variant Classification Scheme 2023. Collection method: clinical testing. Allele origin: germline.
Comment: The c.1712+5G>A intronic variant results from a G to A substitution 5 nucleotides after coding exon 5 in the AXIN2 gene. This nucleotide position is highly conserved in available vertebrate species. In silico splice site analysis predicts that this alteration will not have any significant effect on splicing. Since supporting evidence is limited at this time, the clinical significance of this alteration remains unclear.

NM_004655.4(AXIN2):c.1712+5G>A

Gene: AXIN2 (axin 2; minus strand). Cytogenetic location: 17q24.1.
Variant type: single nucleotide variant.
Coding change: c.1712+5G>A on transcript NM_004655.4 (MANE Select); 5 bases into the intron after coding-DNA position 1712, G replaced by A.
Molecular consequence: intron variant.
Genome position (GRCh38, 1-based): chr17:65,537,319, C>T on the plus strand (G>A on the coding strand, the complement: AXIN2 is on the minus strand). VCF-style: chr17-65537319-C-T. GRCh37 (hg19) VCF-style: chr17-63533437-C-T.
Other names: c.1712+5G>A (NM_001363813.1, LRG_296t1).
Identifiers: ClinVar variation 464566 (VCV000464566.12), dbSNP rs1555577565, ClinGen allele CA658658693.